The following is an entry in ClinVar:

ClinVar aggregate classification (germline): Uncertain significance (0 of 4 stars; one submission).

Conditions:
NCOA1-related disorder. Also called: NCOA1-related condition.

gnomAD v4.1: 3 of 1,614,076 alleles (0.00019%); highest among the groups gnomAD compares: African/African-American, 0.004%; no homozygotes.

Submission:

PreventionGenetics, part of Exact Sciences
Classification: Uncertain significance for NCOA1-related condition. Last evaluated: 2023-12-12. Review status: no assertion criteria provided. Collection method: clinical testing. Allele origin: germline.
Comment: The NCOA1 c.2153C>T variant is predicted to result in the amino acid substitution p.Ser718Phe. To our knowledge, this variant has not been reported in the literature or in a large population database, indicating this variant is rare. At this time, the clinical significance of this variant is uncertain due to the absence of conclusive functional and genetic evidence.

NM_003743.5(NCOA1):c.2153C>T (p.Ser718Phe)

Gene: NCOA1 (nuclear receptor coactivator 1; plus strand). Cytogenetic location: 2p23.3.
Variant type: single nucleotide variant.
Coding change: c.2153C>T on transcript NM_003743.5 (MANE Select); coding-DNA position 2153, C replaced by T.
Protein change: p.Ser718Phe; replaces serine 718 with phenylalanine.
Molecular consequence: missense variant.
Genome position (GRCh38, 1-based): chr2:24,707,623, C>T. VCF-style: chr2-24707623-C-T. GRCh37 (hg19) VCF-style: chr2-24930492-C-T.
Other names: c.2153C>T, p.Ser718Phe (NM_001362950.1, NM_001362952.1, NM_001362954.1 and 3 more transcripts); short protein forms S718F.
Identifiers: ClinVar variation 3348107 (VCV003348107.1).